The following is an entry in ClinVar:

NM_000044.6(AR):c.1768+2T>C

Gene: AR (androgen receptor; plus strand). Cytogenetic location: Xq12.
Variant type: single nucleotide variant.
Coding change: c.1768+2T>C on transcript NM_000044.6 (MANE Select); the canonical splice donor site of the intron after coding-DNA position 1768, T replaced by C.
Molecular consequence: splice donor variant. On other transcripts: intron variant (1).
Genome position (GRCh38, 1-based): chrX:67,643,409, T>C. VCF-style: chrX-67643409-T-C. GRCh37 (hg19) VCF-style: chrX-66863251-T-C.
Other names: c.172+2T>C (NM_001011645.3); c.1768+2T>C (NM_001348063.1, NM_001348061.1); c.1617-42532T>C (NM_001348064.1).
Identifiers: ClinVar variation 448902 (VCV000448902.7), dbSNP rs1555982894, ClinGen allele CA413422940.

ClinVar aggregate classification (germline): Pathogenic/Likely pathogenic. Review status: criteria provided, multiple submitters, no conflicts (2 of 4 stars). 4 submissions from 4 submitters: Pathogenic (1); Likely pathogenic (1). 2 of the submissions do not count toward it. Last evaluated 2024-07-04.

Conditions:
Androgen resistance syndrome (AIS). Also called: ANDROGEN RECEPTOR DEFICIENCY; DIHYDROTESTOSTERONE RECEPTOR DEFICIENCY; Androgen insensitivity syndrome; TESTICULAR FEMINIZATION SYNDROME; Androgen insensitivity; Androgen insensitivity syndrome due to coactivator deficiency. Identifiers: Orphanet 754, Orphanet 99429, MedGen C0039585, MONDO:0019154, OMIM 300068. Disease mechanism: loss of function.
Partial androgen insensitivity syndrome (PAIS). Also called: ANDROGEN INSENSITIVITY, PARTIAL, WITH OR WITHOUT BREAST CANCER; Partial Androgen Insensitivity Syndrome (PAIS); Reifenstein syndrome; Gynecomastia, familial; Reifenstein syndrome, partial; Androgen resistance syndrome, partial. Identifiers: Orphanet 90797, MedGen C0268301, MONDO:0010720, OMIM 312300.

Submissions (4):

Genetics Department, Polish Mother's Memorial Hospital Research Institute
Classification: Pathogenic for Androgen resistance syndrome. Last evaluated: 2024-07-04. Review status: criteria provided, single submitter. Criteria: ACMG Guidelines, 2015. Collection method: research. Allele origin: germline. Affected: yes.
Comment: The detected NM_000044.6:c.1768+2T>C variant causes a splice donor change involving the alteration of a conserved nucleotide. Exon removal caused by the variant results in frameshift change. The variant was absent in control chromosomes in populational databases. Splice prediction tools predict alterations to normal splicing. The variant has been reported in ClinVar as pathogenic (1 submission) and likely pathogenic (2 submissions). The variant was classified as pathogenic with 10 ACMG points (criteria: PVS1_strong, PS4_moderate, PM2, PP3, PP4).

GenePathDx, GenePath diagnostics
Classification: Likely pathogenic for Partial androgen insensitivity syndrome. Last evaluated: 2017-08-02. Review status: criteria provided, single submitter. Criteria: GenePathDx_Criteria_classificationV2. Collection method: clinical testing. Allele origin: germline. Inheritance: X-linked inheritance. Affected: yes. Observed: 1 variant allele, 1 mosaic individual.

Genetic Services Laboratory, University of Chicago
Classification: Likely pathogenic. Last evaluated: 2022-10-14. Review status: no assertion criteria provided. Collection method: clinical testing. Allele origin: germline. Affected: yes. Not counted in ClinVar's aggregate classification.
Comment: DNA sequence analysis of the AR gene demonstrated a sequence change located near the canonical splice donor site in intron 2, c.1768+2T>C. This sequence change does not appear to have been previously described in individuals with AR -related disorders. This sequence change has not been described in the population databases such as ExAC and gnomAD. Based on in-silico splice prediction programs, this sequence change likely affects normal splicing of the AR gene, which would result in an abnormal protein, however functional studies have not been performed to prove this conclusively. These collective evidences indicate that this sequence change is likely pathogenic.

Clinical Molecular Genetics Laboratory, Johns Hopkins All Children's Hospital
Classification: Pathogenic for Androgen resistance syndrome. Last evaluated: 2013-04-09. Review status: no assertion criteria provided. Collection method: clinical testing. Allele origin: germline. Affected: yes. Not counted in ClinVar's aggregate classification.